The following is an entry in ClinVar:

NM_007144.3(PCGF2):c.837del (p.Ala280fs)

Genes: CISD3 (CDGSH iron sulfur domain 3; plus strand), PCGF2 (polycomb group ring finger 2; minus strand). Cytogenetic location: 17q12.
Variant type: Deletion.
Coding change: c.837del on transcript NM_007144.3 (MANE Select); coding-DNA position 837, one base deleted (A; older notation c.837delA).
Protein change: p.Ala280fs; shifts the reading frame from alanine 280.
Molecular consequence: frameshift variant. On other transcripts: 3 prime UTR variant (1).
Genome position (GRCh38, 1-based): chr17:38,735,421, T deleted on the plus strand (A on the coding strand, the reverse complement: PCGF2 is on the minus strand). VCF-style (leftmost placement, unchanged base first): chr17-38735420-CT-C. GRCh37 (hg19) VCF-style: chr17-36891673-CT-C.
Other names: c.*1966del (NM_001136498.2); c.837del, p.Ala280fs (NM_001369614.1, NM_001369615.1); short protein forms A280fs.
Identifiers: ClinVar variation 4056703 (VCV004056703.1).

ClinVar aggregate classification (germline): Uncertain significance (1 of 4 stars; one submission).

Conditions:
Turnpenny-fry syndrome. Also called: NEUROCARDIOSKELETAL SYNDROME. Identifiers: Orphanet 688642, MedGen C5193060, MONDO:0032707, OMIM 618371.

Submission:

Laboratorio de Genetica e Diagnostico Molecular, Hospital Israelita Albert Einstein
Classification: Uncertain significance for Turnpenny-fry syndrome. Last evaluated: 2023-06-01. Review status: criteria provided, single submitter. Criteria: ACMG Guidelines, 2015. Collection method: clinical testing. Allele origin: germline. Affected: yes.
Comment: ACMG classification criteria: PM2 supporting